The following is an entry in ClinVar:

ClinVar aggregate classification (germline): Likely pathogenic. Review status: criteria provided, multiple submitters, no conflicts (2 of 4 stars). 2 submissions from 2 submitters: Likely pathogenic (2). Last evaluated 2025-05-12.

Conditions:
VPS13B-related disorder. Also called: VPS13B-related condition.
Cohen syndrome (COH1). Also called: Cutis verticis gyrata, retinitis pigmentosa, and sensorineural deafness; PEPPER SYNDROME. Identifiers: Orphanet 193, MedGen C0265223, MONDO:0008999, OMIM 216550.

Submissions (2):

Natera, Inc.
Classification: Likely pathogenic for Cohen syndrome. Last evaluated: 2025-05-12. Review status: criteria provided, single submitter. Criteria: Natera Variant Classification Schema (03/2026). Collection method: clinical testing. Allele origin: germline.
Comment: The c.10691dup variant in VPS13B is a frameshift variant predicted to shift the reading frame and introduce a stop codon. This variant is expected to result in nonsense mediated decay, truncation, or a dysfunctional protein product. This variant is rare in the general population with a frequency below the threshold expected for the associated phenotype(s). Given the available evidence, this variant is classified as Likely Pathogenic.

PreventionGenetics, part of Exact Sciences
Classification: Likely pathogenic for VPS13B-related condition. Last evaluated: 2023-01-18. Review status: criteria provided, single submitter. Criteria: ACMG Guidelines, 2015. Collection method: clinical testing. Allele origin: germline.
Comment: The VPS13B c.10616dupG variant is predicted to result in premature protein termination (p.Lys3540*). To our knowledge, this variant has not been reported in the literature or in a large population database, indicating this variant is rare. Nonsense variants in VPS13B are expected to be pathogenic. This variant is interpreted as likely pathogenic.

NM_152564.5(VPS13B):c.10616dup (p.Gly3539_Lys3540insTer)

Gene: VPS13B (vacuolar protein sorting 13 homolog B; plus strand). Cytogenetic location: 8q22.2.
Variant type: Duplication.
Coding change: c.10616dup on transcript NM_152564.5 (MANE Select); coding-DNA position 10616, one base duplicated (G; older notation c.10616dupG).
Protein change: p.Gly3539_Lys3540insTer.
Molecular consequence: frameshift variant. On other transcripts: nonsense (1).
Genome position (GRCh38, 1-based): chr8:99,854,005, G duplicated; the last of 5 consecutive G bases (chr8:99,854,001-99,854,005); duplicating any one gives the same sequence. VCF-style (leftmost placement, unchanged base first): chr8-99854000-C-CG. GRCh37 (hg19) VCF-style: chr8-100866228-C-CG.
Other names: c.10616dupG (NM_152564.4); c.10691dup, p.Gly3564_Lys3565insTer (NM_017890.5).
Identifiers: ClinVar variation 2629867 (VCV002629867.3), dbSNP rs1816425634, ClinGen allele CA2497231565.
Genomic context (GRCh38, chr8:99,854,000, plus strand): 5'-GACTTTGTTTGACACCTACCTTCCTAACAGCAGGTTGGCTGGTCACTCCACACACCTCTC[C>CG]GGGGGTAAACAGGTGTTGCCCATGCAGGTCACACAGCACGCCAGGGCCTTGGTGAATCCT-3'